The following is an entry in ClinVar:

NM_001111.5(ADAR):c.2999T>G (p.Leu1000Arg)

Gene: ADAR (adenosine deaminase RNA specific; minus strand). Cytogenetic location: 1q21.3.
Variant type: single nucleotide variant.
Coding change: c.2999T>G on transcript NM_001111.5 (MANE Select); coding-DNA position 2999, T replaced by G.
Protein change: p.Leu1000Arg; replaces leucine 1000 with arginine.
Molecular consequence: missense variant.
Genome position (GRCh38, 1-based): chr1:154,588,145, A>C on the plus strand (T>G on the coding strand, the complement: ADAR is on the minus strand). VCF-style: chr1-154588145-A-C. GRCh37 (hg19) VCF-style: chr1-154560621-A-C.
Other names: c.2114T>G, p.Leu705Arg (NM_001025107.3, NM_001193495.2, NM_001365046.1 and 2 more transcripts); c.3026T>G, p.Leu1009Arg (NM_001365045.1); c.2036T>G, p.Leu679Arg (NM_001365049.1); c.2921T>G, p.Leu974Arg (NM_015840.4); c.2864T>G, p.Leu955Arg (NM_015841.4); short protein forms L1000R, L1009R, L679R, L705R, L955R, L974R.
Identifiers: ClinVar variation 3758716 (VCV003758716.2).

ClinVar aggregate classification (germline): Uncertain significance (1 of 4 stars; one submission).

Conditions:
Symmetrical dyschromatosis of extremities (DSH). Also called: DYSCHROMATOSIS SYMMETRICA HEREDITARIA 1; RETICULATE ACROPIGMENTATION OF DOHI; SYMMETRIC DYSCHROMATOSIS OF THE EXTREMITIES; Dyschromatosis symmetrica hereditaria. Identifiers: Orphanet 41, MedGen C0406775, MONDO:0007483, OMIM 127400.
Aicardi-Goutieres syndrome 6 (AGS6). Identifiers: Orphanet 51, MedGen C3539013, MONDO:0014007, OMIM 615010.

Submission:

Labcorp Genetics (formerly Invitae), Labcorp
Classification: Uncertain significance for Aicardi-Goutieres syndrome 6; Symmetrical dyschromatosis of extremities. Last evaluated: 2025-02-11. Review status: criteria provided, single submitter. Criteria: Invitae Variant Classification Sherloc (09022015). Collection method: clinical testing. Allele origin: germline.
Comment: This sequence change replaces leucine, which is neutral and non-polar, with arginine, which is basic and polar, at codon 1000 of the ADAR protein (p.Leu1000Arg). This variant is not present in population databases (gnomAD no frequency). This variant has not been reported in the literature in individuals affected with ADAR-related conditions. Invitae Evidence Modeling of protein sequence and biophysical properties (such as structural, functional, and spatial information, amino acid conservation, physicochemical variation, residue mobility, and thermodynamic stability) has been performed for this missense variant. However, the output from this modeling did not meet the statistical confidence thresholds required to predict the impact of this variant on ADAR protein function. In summary, the available evidence is currently insufficient to determine the role of this variant in disease. Therefore, it has been classified as a Variant of Uncertain Significance.